The following is an entry in ClinVar:

NM_005535.3(IL12RB1):c.301G>A (p.Asp101Asn)

Gene: IL12RB1 (interleukin 12 receptor subunit beta 1; minus strand). Cytogenetic location: 19p13.11.
Variant type: single nucleotide variant.
Coding change: c.301G>A on transcript NM_005535.3 (MANE Select); coding-DNA position 301, G replaced by A.
Protein change: p.Asp101Asn; replaces aspartic acid 101 with asparagine.
Molecular consequence: missense variant.
Genome position (GRCh38, 1-based): chr19:18,080,940, C>T on the plus strand (G>A on the coding strand, the complement: IL12RB1 is on the minus strand). VCF-style: chr19-18080940-C-T. GRCh37 (hg19) VCF-style: chr19-18191750-C-T.
Other names: c.301G>A, p.Asp101Asn (NM_001290023.2, NM_153701.3); c.421G>A, p.Asp141Asn (NM_001290024.2); short protein forms D101N, D141N.
Identifiers: ClinVar variation 1053760 (VCV001053760.6), dbSNP rs748586854, ClinGen allele CA404789888.

ClinVar aggregate classification (germline): Uncertain significance. Review status: criteria provided, multiple submitters, no conflicts (2 of 4 stars). 2 submissions from 2 submitters: Uncertain significance (2). Last evaluated 2025-06-09.

Conditions:
Mendelian susceptibility to mycobacterial diseases due to complete IL12RB1 deficiency. Also called: IL12RB1 DEFICIENCY; Immunodeficiency 30. Identifiers: Orphanet 319552, MedGen C4013949, MONDO:0013955, OMIM 614891.

gnomAD v4.1: 16 of 1,613,732 alleles (0.00099%); highest among the groups gnomAD compares: Admixed American, 0.0067%; no homozygotes.

Submissions (2):

Labcorp Genetics (formerly Invitae), Labcorp
Classification: Uncertain significance for Mendelian susceptibility to mycobacterial diseases due to complete IL12RB1 deficiency. Last evaluated: 2025-06-09. Review status: criteria provided, single submitter. Criteria: Invitae Variant Classification Sherloc (09022015). Collection method: clinical testing. Allele origin: germline.
Comment: This sequence change replaces aspartic acid, which is acidic and polar, with asparagine, which is neutral and polar, at codon 101 of the IL12RB1 protein (p.Asp101Asn). This variant is present in population databases (no rsID available, gnomAD 0.006%). This variant has not been reported in the literature in individuals affected with IL12RB1-related conditions. ClinVar contains an entry for this variant (Variation ID: 1053760). An algorithm developed to predict the effect of missense changes on protein structure and function (PolyPhen-2) suggests that this variant is likely to be disruptive. In summary, the available evidence is currently insufficient to determine the role of this variant in disease. Therefore, it has been classified as a Variant of Uncertain Significance.

Blueprint Genetics
Classification: Uncertain significance. Last evaluated: 2020-04-29. Review status: criteria provided, single submitter. Criteria: ACMG Guidelines, 2015. Collection method: clinical testing. Allele origin: germline.